The following is an entry in ClinVar:

ClinVar aggregate classification (germline): Uncertain significance (1 of 4 stars; one submission).

Conditions:
Hereditary cancer-predisposing syndrome. Also called: Neoplastic Syndromes, Hereditary; Hereditary neoplastic syndrome; Tumor predisposition; Hereditary Cancer Syndrome. Identifiers: Orphanet 140162, MedGen C0027672, MeSH D009386, MONDO:0015356.

Submission:

Ambry Genetics
Classification: Uncertain significance for Hereditary cancer-predisposing syndrome. Last evaluated: 2026-01-16. Review status: criteria provided, single submitter. Criteria: Ambry Variant Classification Scheme 2023. Collection method: clinical testing. Allele origin: germline.
Comment: The p.V388D variant (also known as c.1163T>A), located in coding exon 12 of the BAP1 gene, results from a T to A substitution at nucleotide position 1163. The valine at codon 388 is replaced by aspartic acid, an amino acid with highly dissimilar properties. This amino acid position is conserved. In addition, this alteration is predicted to be tolerated by in silico analysis. Based on the available evidence, the clinical significance of this variant remains unclear.

NM_004656.4(BAP1):c.1163T>A (p.Val388Asp)

Gene: BAP1 (BRCA1 associated deubiquitinase 1; minus strand). Cytogenetic location: 3p21.1.
Variant type: single nucleotide variant.
Coding change: c.1163T>A on transcript NM_004656.4 (MANE Select); coding-DNA position 1163, T replaced by A.
Protein change: p.Val388Asp; replaces valine 388 with aspartic acid.
Molecular consequence: missense variant.
Genome position (GRCh38, 1-based): chr3:52,404,540, A>T on the plus strand (T>A on the coding strand, the complement: BAP1 is on the minus strand). VCF-style: chr3-52404540-A-T. GRCh37 (hg19) VCF-style: chr3-52438556-A-T.
Other names: c.1109T>A, p.Val370Asp (NM_001410772.1); short protein forms V370D, V388D.
Identifiers: ClinVar variation 4824085 (VCV004824085.1).
Genomic context (GRCh38, chr3:52,404,540, plus strand): 5'-TCATCCTCCTCGTCATCCTCATAGTCATCCTCATCATCTGAGTACTGCTGGGGTGGGCGG[A>T]CTGGAACTCGGCTGCGGCCCACACCTGCCGCCAGGTCTTCTTCCTCCTGGGACAAAGACC-3'
Protein context (NP_004647.1, residues 378-398): AAGVGRSRVP[Val388Asp]RPPQQYSDDE